The following is an entry in ClinVar:

NM_001206927.2(DNAH8):c.6778G>A (p.Glu2260Lys)

Gene: DNAH8 (dynein axonemal heavy chain 8; plus strand). Cytogenetic location: 6p21.2.
Variant type: single nucleotide variant.
Coding change: c.6778G>A on transcript NM_001206927.2 (MANE Select); coding-DNA position 6778, G replaced by A.
Protein change: p.Glu2260Lys; replaces glutamic acid 2260 with lysine.
Molecular consequence: missense variant.
Genome position (GRCh38, 1-based): chr6:38,868,146, G>A. VCF-style: chr6-38868146-G-A. GRCh37 (hg19) VCF-style: chr6-38835922-G-A.
Other names: c.6127G>A, p.Glu2043Lys (NM_001371.4); short protein forms E2260K, E2043K.
Identifiers: ClinVar variation 454587 (VCV000454587.9), dbSNP rs1018899864, ClinGen allele CA137595246.

ClinVar aggregate classification (germline): Uncertain significance. Review status: criteria provided, multiple submitters, no conflicts (2 of 4 stars). 2 submissions from 2 submitters: Uncertain significance (2). Last evaluated 2026-01-07.

Conditions:
Primary ciliary dyskinesia. Also called: Ciliary dyskinesia. Identifiers: Orphanet 244, MedGen C0008780, MONDO:0016575, HP:0012265.

Allele frequency attached by ClinVar (database versions not stated): gnomAD exomes 0.00002; TOPMed 0.00003; gnomAD 0.00005.
gnomAD v4.1: 36 of 1,613,716 alleles (0.0022%); highest among the groups gnomAD compares: Non-Finnish European, 0.0028%; no homozygotes.

Submissions (2):

Labcorp Genetics (formerly Invitae), Labcorp
Classification: Uncertain significance for Primary ciliary dyskinesia. Last evaluated: 2026-01-07. Review status: criteria provided, single submitter. Criteria: Invitae Variant Classification Sherloc (09022015). Collection method: clinical testing. Allele origin: germline.
Comment: This sequence change replaces glutamic acid, which is acidic and polar, with lysine, which is basic and polar, at codon 2260 of the DNAH8 protein (p.Glu2260Lys). This variant is present in population databases (no rsID available, gnomAD 0.005%). This variant has not been reported in the literature in individuals affected with DNAH8-related conditions. ClinVar contains an entry for this variant (Variation ID: 454587). Invitae Evidence Modeling of protein sequence and biophysical properties (such as structural, functional, and spatial information, amino acid conservation, physicochemical variation, residue mobility, and thermodynamic stability) indicates that this missense variant is expected to disrupt DNAH8 protein function with a positive predictive value of 80%. In summary, the available evidence is currently insufficient to determine the role of this variant in disease. Therefore, it has been classified as a Variant of Uncertain Significance.

GeneDx
Classification: Uncertain significance. Last evaluated: 2023-02-12. Review status: criteria provided, single submitter. Criteria: GeneDx Variant Classification Process June 2021. Collection method: clinical testing. Allele origin: germline. Affected: yes.
Comment: In silico analysis supports that this missense variant has a deleterious effect on protein structure/function; Has not been previously published as pathogenic or benign to our knowledge